The following is an entry in ClinVar:

NM_000168.6(GLI3):c.39_41del (p.Lys15del)

Gene: GLI3 (GLI family zinc finger 3; minus strand). Cytogenetic location: 7p14.1.
Variant type: Deletion.
Coding change: c.39_41del on transcript NM_000168.6 (MANE Select); coding-DNA positions 39 to 41, 3 bases deleted (GAA; older notation c.39_41delGAA).
Protein change: p.Lys15del; deletes lysine 15.
Molecular consequence: inframe deletion.
Genome position (GRCh38, 1-based): chr7:42,223,213-42,223,215, TTC deleted on the plus strand (GAA on the coding strand, the reverse complement: GLI3 is on the minus strand); deleting any 3 consecutive bases within chr7:42,223,213-42,223,217 gives the same sequence; the c. name uses the placement nearest the transcript's 3' end. VCF-style (leftmost placement, unchanged base first): chr7-42223212-TTTC-T. GRCh37 (hg19) VCF-style: chr7-42262811-TTTC-T.
Other names: short protein forms K15del.
Identifiers: ClinVar variation 2060429 (VCV002060429.4), dbSNP rs1172766703, ClinGen allele CA838631207.
Genomic context (GRCh38, chr7:42,223,212, plus strand): 5'-AACGGCTTTCTCGCTCACATCTGTTCGAGTGGAGCACTTCACTATGGAATTCTCAACTTT[TTTC>T]TTTTCAGTGGTCGTGGAGCTGTGGGACTGGGCCTCCATGATGTCTTCTCATTACTTCAGC-3'

ClinVar aggregate classification (germline): Uncertain significance (1 of 4 stars; one submission).

Conditions:
Pallister-Hall syndrome (PHS). Also called: HYPOTHALAMIC HAMARTOBLASTOMA, HYPOPITUITARISM, IMPERFORATE ANUS, AND POSTAXIAL POLYDACTYLY; GLI3-Related Pallister-Hall Syndrome. Identifiers: Orphanet 672, MedGen C0265220, MONDO:0007804, OMIM 146510.
Greig cephalopolysyndactyly syndrome (GCPS). Also called: POLYSYNDACTYLY WITH PECULIAR SKULL SHAPE; Greig syndrome; GLI3-Related Greig Cephalopolysyndactyly Syndrome. Identifiers: Orphanet 380, MedGen C0265306, MONDO:0008287, OMIM 175700.

Submission:

Labcorp Genetics (formerly Invitae), Labcorp
Classification: Uncertain significance for Pallister-Hall syndrome; Greig cephalopolysyndactyly syndrome. Last evaluated: 2022-09-06. Review status: criteria provided, single submitter. Criteria: Invitae Variant Classification Sherloc (09022015). Collection method: clinical testing. Allele origin: germline.
Comment: In summary, the available evidence is currently insufficient to determine the role of this variant in disease. Therefore, it has been classified as a Variant of Uncertain Significance. Experimental studies and prediction algorithms are not available or were not evaluated, and the functional significance of this variant is currently unknown. This variant has been observed in individual(s) with clinical features of Greig cephalopolysyndactyly syndrome (Invitae). This variant is not present in population databases (gnomAD no frequency). This variant, c.39_41del, results in the deletion of 1 amino acid(s) of the GLI3 protein (p.Lys15del), but otherwise preserves the integrity of the reading frame.